The following is an entry in ClinVar:

NM_020779.4(WDR35):c.1028C>T (p.Thr343Ile)

Gene: WDR35 (WD repeat domain 35; minus strand). Cytogenetic location: 2p24.1.
Variant type: single nucleotide variant.
Coding change: c.1028C>T on transcript NM_020779.4 (MANE Select); coding-DNA position 1028, C replaced by T.
Protein change: p.Thr343Ile; replaces threonine 343 with isoleucine.
Molecular consequence: missense variant.
Genome position (GRCh38, 1-based): chr2:19,966,890, G>A on the plus strand (C>T on the coding strand, the complement: WDR35 is on the minus strand). VCF-style: chr2-19966890-G-A. GRCh37 (hg19) VCF-style: chr2-20166651-G-A.
Other names: c.1028C>T, p.Thr343Ile (NM_001006657.2); short protein forms T343I.
Identifiers: ClinVar variation 3391589 (VCV003391589.3).

ClinVar aggregate classification (germline): Uncertain significance. Review status: criteria provided, multiple submitters, no conflicts (2 of 4 stars). 3 submissions from 3 submitters: Uncertain significance (3). Last evaluated 2025-04-03.

Conditions:
Inborn genetic diseases. Identifiers: MedGen C0950123, MeSH D030342.
Cranioectodermal dysplasia 2 (CED2). Identifiers: Orphanet 1515, MedGen C3150874, MONDO:0013323, OMIM 613610.
Short-rib thoracic dysplasia 7 with or without polydactyly (SRTD7). Also called: Short rib polydactyly syndrome 5; SHORT-RIB THORACIC DYSPLASIA 7 WITH POLYDACTYLY. Identifiers: Orphanet 498497, Orphanet 93271, MedGen C3279792, MONDO:0013569, OMIM 614091.

gnomAD v4.1: 10 of 1,613,710 alleles (0.00062%); highest among the groups gnomAD compares: African/African-American, 0.008%; no homozygotes.

Submissions (3):

Ambry Genetics
Classification: Uncertain significance for Inborn genetic diseases. Last evaluated: 2025-04-03. Review status: criteria provided, single submitter. Criteria: Ambry Variant Classification Scheme 2023. Collection method: clinical testing. Allele origin: germline.

GeneDx
Classification: Uncertain significance. Last evaluated: 2024-06-18. Review status: criteria provided, single submitter. Criteria: GeneDx Variant Classification Process June 2021. Collection method: clinical testing. Allele origin: germline. Affected: yes.
Comment: In silico analysis supports that this missense variant has a deleterious effect on protein structure/function; Has not been previously published as pathogenic or benign to our knowledge

Fulgent Genetics
Classification: Uncertain significance for Cranioectodermal dysplasia 2; Short-rib thoracic dysplasia 7 with or without polydactyly. Last evaluated: 2024-04-16. Review status: criteria provided, single submitter. Criteria: ACMG Guidelines, 2015. Collection method: clinical testing. Allele origin: germline.